The following is an entry in ClinVar:

NM_138370.3(PKDCC):c.1013G>A (p.Arg338Gln)

Gene: PKDCC (protein kinase domain containing, cytoplasmic; plus strand). Cytogenetic location: 2p21.
Variant type: single nucleotide variant.
Coding change: c.1013G>A on transcript NM_138370.3 (MANE Select); coding-DNA position 1013, G replaced by A.
Protein change: p.Arg338Gln; replaces arginine 338 with glutamine.
Molecular consequence: missense variant.
Genome position (GRCh38, 1-based): chr2:42,054,286, G>A. VCF-style: chr2-42054286-G-A. GRCh37 (hg19) VCF-style: chr2-42281426-G-A.
Other names: c.1013G>A (NM_138370.2); short protein forms R338Q.
Identifiers: ClinVar variation 1901963 (VCV001901963.3), dbSNP rs769194112, ClinGen allele CA1628086.

ClinVar aggregate classification (germline): Uncertain significance. Review status: criteria provided, multiple submitters, no conflicts (2 of 4 stars). 2 submissions from 2 submitters: Uncertain significance (2). Last evaluated 2023-12-16.

Conditions:
Inborn genetic diseases. Identifiers: MedGen C0950123, MeSH D030342.

Allele frequency attached by ClinVar (database versions not stated): gnomAD 0.00001; gnomAD exomes 0.00001; TOPMed 0.00001; ExAC 0.00002.

Submissions (2):

Ambry Genetics
Classification: Uncertain significance for Inborn genetic diseases. Last evaluated: 2023-12-16. Review status: criteria provided, single submitter. Criteria: Ambry Variant Classification Scheme 2023. Collection method: clinical testing. Allele origin: germline.

Labcorp Genetics (formerly Invitae), Labcorp
Classification: Uncertain significance. Last evaluated: 2022-05-03. Review status: criteria provided, single submitter. Criteria: Invitae Variant Classification Sherloc (09022015). Collection method: clinical testing. Allele origin: germline.
Comment: This sequence change replaces arginine, which is basic and polar, with glutamine, which is neutral and polar, at codon 338 of the PKDCC protein (p.Arg338Gln). The frequency data for this variant in the population databases is considered unreliable, as metrics indicate poor data quality at this position in the gnomAD database. This variant has not been reported in the literature in individuals affected with PKDCC-related conditions. Algorithms developed to predict the effect of missense changes on protein structure and function (SIFT, PolyPhen-2, Align-GVGD) all suggest that this variant is likely to be disruptive. In summary, the available evidence is currently insufficient to determine the role of this variant in disease. Therefore, it has been classified as a Variant of Uncertain Significance.